The following is an entry in ClinVar:

NM_002206.3(ITGA7):c.1263T>G (p.Val421=)

Gene: ITGA7 (integrin subunit alpha 7; minus strand). Cytogenetic location: 12q13.2.
Variant type: single nucleotide variant.
Coding change: c.1263T>G on transcript NM_002206.3 (MANE Select); coding-DNA position 1263, T replaced by G.
Protein change: p.Val421=; no amino-acid change (valine 421 retained).
Molecular consequence: synonymous variant. On other transcripts: 5 prime UTR variant (1).
Genome position (GRCh38, 1-based): chr12:55,697,956, A>C on the plus strand (T>G on the coding strand, the complement: ITGA7 is on the minus strand). VCF-style: chr12-55697956-A-C. GRCh37 (hg19) VCF-style: chr12-56091740-A-C.
Other names: c.1275T>G, p.Val425= (NM_001144996.2, NM_001414029.1); c.984T>G, p.Val328= (NM_001144997.2); c.936T>G, p.Val312= (NM_001367993.1); c.-30T>G (NM_001367994.1); c.1263T>G, p.Val421= (NM_001374465.1, NM_001414034.1); c.1395T>G, p.Val465= (NM_001410977.1); c.1188T>G, p.Val396= (NM_001414030.1); c.1176T>G, p.Val392= (NM_001414031.1); and 3 more.
Identifiers: ClinVar variation 515881 (VCV000515881.4), dbSNP rs1555162963, ClinGen allele CA480149399.
Genomic context (GRCh38, chr12:55,697,956, plus strand): 5'-TTCCACCCACACCCATTCCCTCATCCCAGCGACTCCCCTCACCTGTGAAGGTTTGGCGAC[A>C]ACCCCCAGGCTGCTCCCATGGTAGATGAAGACTTTCCCATCACCATCAAAGGGGGCACCC-3'
Protein context (NP_002197.2, residues 411-431): VFIYHGSSLG[Val421=]VAKPSQVLEG

ClinVar aggregate classification (germline): Likely benign. Review status: criteria provided, multiple submitters, no conflicts (2 of 4 stars). 2 submissions from 2 submitters: Likely benign (2). Last evaluated 2022-11-25.

Conditions:
Congenital muscular dystrophy due to integrin alpha-7 deficiency. Also called: MYOPATHY, CONGENITAL, DUE TO INTEGRIN ALPHA-7 DEFICIENCY; Congenital muscular dystrophy with integrin alpha-7 deficiency; Muscular dystrophy, congenital, due to ITGA7 deficiency. Identifiers: Orphanet 34520, MedGen C2750786, MONDO:0013177, OMIM 613204.

Allele frequency attached by ClinVar (database versions not stated): gnomAD exomes below 0.00001.
gnomAD v4.1: 2 of 1,614,130 alleles (0.00012%); highest among the groups gnomAD compares: Non-Finnish European, 0.00017%; no homozygotes.

Submissions (2):

Labcorp Genetics (formerly Invitae), Labcorp
Classification: Likely benign for Congenital muscular dystrophy due to integrin alpha-7 deficiency. Last evaluated: 2022-11-25. Review status: criteria provided, single submitter. Criteria: Invitae Variant Classification Sherloc (09022015). Collection method: clinical testing. Allele origin: germline.

GeneDx
Classification: Likely benign. Last evaluated: 2018-03-08. Review status: criteria provided, single submitter. Criteria: GeneDx Variant Classification (06012015). Collection method: clinical testing. Allele origin: germline. Affected: yes.
Comment: This variant is considered likely benign or benign based on one or more of the following criteria: it is a conservative change, it occurs at a poorly conserved position in the protein, it is predicted to be benign by multiple in silico algorithms, and/or has population frequency not consistent with disease.